The following is an entry in ClinVar:

ClinVar aggregate classification (germline): Uncertain significance. Review status: criteria provided, multiple submitters, no conflicts (2 of 4 stars). 2 submissions from 2 submitters: Uncertain significance (2). Last evaluated 2025-11-20.

Conditions:
Inborn genetic diseases. Identifiers: MedGen C0950123, MeSH D030342.

Submissions (2):

Labcorp Genetics (formerly Invitae), Labcorp
Classification: Uncertain significance. Last evaluated: 2025-11-20. Review status: criteria provided, single submitter. Criteria: Invitae Variant Classification Sherloc (09022015). Collection method: clinical testing. Allele origin: germline.
Comment: This sequence change replaces glutamic acid, which is acidic and polar, with glutamine, which is neutral and polar, at codon 343 of the MBD4 protein (p.Glu343Gln). This variant is present in population databases (rs368949278, gnomAD 0.01%). This variant has not been reported in the literature in individuals affected with MBD4-related conditions. ClinVar contains an entry for this variant (Variation ID: 3673306). An algorithm developed to predict the effect of missense changes on protein structure and function (PolyPhen-2) suggests that this variant is likely to be disruptive. In summary, the available evidence is currently insufficient to determine the role of this variant in disease. Therefore, it has been classified as a Variant of Uncertain Significance.

Ambry Genetics
Classification: Uncertain significance for Inborn genetic diseases. Last evaluated: 2025-05-05. Review status: criteria provided, single submitter. Criteria: Ambry Variant Classification Scheme 2023. Collection method: clinical testing. Allele origin: germline.
Comment: The p.E343Q variant (also known as c.1027G>C), located in coding exon 3 of the MBD4 gene, results from a G to C substitution at nucleotide position 1027. The glutamic acid at codon 343 is replaced by glutamine, an amino acid with highly similar properties. This amino acid position is conserved. In addition, this alteration is predicted to be tolerated by in silico analysis. Based on the available evidence, the clinical significance of this variant remains unclear.

NM_001276270.2(MBD4):c.1027G>C (p.Glu343Gln)

Gene: MBD4 (methyl-CpG binding domain 4, DNA glycosylase; minus strand). Cytogenetic location: 3q21.3.
Variant type: single nucleotide variant.
Coding change: c.1027G>C on transcript NM_001276270.2 (MANE Select); coding-DNA position 1027, G replaced by C.
Protein change: p.Glu343Gln; replaces glutamic acid 343 with glutamine.
Molecular consequence: missense variant. On other transcripts: intron variant (1).
Genome position (GRCh38, 1-based): chr3:129,436,617, C>G on the plus strand (G>C on the coding strand, the complement: MBD4 is on the minus strand). VCF-style: chr3-129436617-C-G. GRCh37 (hg19) VCF-style: chr3-129155460-C-G.
Other names: c.1027G>C, p.Glu343Gln (NM_001276271.2, NM_001276272.2, NM_003925.3); c.247+1191G>C (NM_001276273.2); short protein forms E343Q.
Identifiers: ClinVar variation 3673306 (VCV003673306.3).